The following is an entry in ClinVar:

NM_005273.4(GNB2):c.281C>A (p.Pro94Gln)

Gene: GNB2 (G protein subunit beta 2; plus strand). Cytogenetic location: 7q22.1.
Variant type: single nucleotide variant.
Coding change: c.281C>A on transcript NM_005273.4 (MANE Select); coding-DNA position 281, C replaced by A.
Protein change: p.Pro94Gln; replaces proline 94 with glutamine.
Molecular consequence: missense variant.
Genome position (GRCh38, 1-based): chr7:100,677,511, C>A. VCF-style: chr7-100677511-C-A. GRCh37 (hg19) VCF-style: chr7-100275134-C-A.
Other names: short protein forms P94Q.
Identifiers: ClinVar variation 4996290 (VCV004996290.1).

ClinVar aggregate classification (germline): Uncertain significance (1 of 4 stars; one submission).

Conditions:
GNB2-related disorder. Also called: GNB2-related condition.

Submission:

PreventionGenetics, part of Exact Sciences
Classification: Uncertain significance for GNB2-related condition. Last evaluated: 2026-06-28. Review status: criteria provided, single submitter. Criteria: ACMG Guidelines, 2015. Collection method: clinical testing. Allele origin: germline.
Comment: The GNB2 c.281C>A variant is predicted to result in the amino acid substitution p.Pro94Gln. To our knowledge, this variant has not been reported in the literature or in a large population database (gnomAD), indicating this variant is rare. At this time, the clinical significance of this variant is uncertain due to the absence of conclusive functional and genetic evidence.